The following is an entry in ClinVar:

NM_004260.4(RECQL4):c.265A>G (p.Ser89Gly)

Gene: RECQL4 (RecQ like helicase 4; minus strand). Cytogenetic location: 8q24.3.
Variant type: single nucleotide variant.
Coding change: c.265A>G on transcript NM_004260.4 (MANE Select); coding-DNA position 265, A replaced by G.
Protein change: p.Ser89Gly; replaces serine 89 with glycine.
Molecular consequence: missense variant. On other transcripts: 5 prime UTR variant (17), non-coding transcript variant (3).
Genome position (GRCh38, 1-based): chr8:144,517,139, T>C on the plus strand (A>G on the coding strand, the complement: RECQL4 is on the minus strand). VCF-style: chr8-144517139-T-C. GRCh37 (hg19) VCF-style: chr8-145742523-T-C.
Other names: c.265A>G, p.Ser89Gly (NM_001413017.1, NM_001413018.1, NM_001413019.1 and 5 more transcripts); c.-456A>G (NM_001413021.1); c.-807A>G (NM_001413022.1, NM_001413023.1, NM_001413037.1 and 3 more transcripts); c.-704A>G (NM_001413024.1, NM_001413035.1); c.136A>G, p.Ser46Gly (NM_001413025.1); c.-869A>G (NM_001413027.1, NM_001413030.1, NM_001413031.1 and 1 more transcripts); c.-532A>G (NM_001413028.1); c.-766A>G (NM_001413032.1); and 2 more; short protein forms S89G, S46G.
Identifiers: ClinVar variation 4841558 (VCV004841558.1).

ClinVar aggregate classification (germline): Uncertain significance (1 of 4 stars; one submission).

Conditions:
Inborn genetic diseases. Identifiers: MedGen C0950123, MeSH D030342.

gnomAD v4.1: 3 of 1,611,708 alleles (0.00019%); highest among the groups gnomAD compares: Non-Finnish European, 0.00025%; no homozygotes.

Submission:

Ambry Genetics
Classification: Uncertain significance for Inborn genetic diseases. Last evaluated: 2025-12-19. Review status: criteria provided, single submitter. Criteria: Ambry Variant Classification Scheme 2023. Collection method: clinical testing. Allele origin: germline.
Comment: The p.S89G variant (also known as c.265A>G), located in coding exon 4 of the RECQL4 gene, results from an A to G substitution at nucleotide position 265. The serine at codon 89 is replaced by glycine, an amino acid with similar properties. This amino acid position is conserved. In addition, this alteration is predicted to be tolerated by in silico analysis. Based on the available evidence, the clinical significance of this variant remains unclear.